The following is an entry in ClinVar:

ClinVar aggregate classification (germline): Uncertain significance. Review status: criteria provided, multiple submitters, no conflicts (2 of 4 stars). 2 submissions from 2 submitters: Uncertain significance (2). Last evaluated 2024-07-03.

Conditions:
Dilated cardiomyopathy 1II (CMD1II). Identifiers: Orphanet 154, MedGen C3554649, MONDO:0014073, OMIM 615184.

Submissions (2):

GeneDx
Classification: Uncertain significance. Last evaluated: 2024-07-03. Review status: criteria provided, single submitter. Criteria: GeneDx Variant Classification Process June 2021. Collection method: clinical testing. Allele origin: germline. Affected: yes.
Comment: Has not been previously published as pathogenic or benign to our knowledge; Not observed at significant frequency in large population cohorts (gnomAD); In silico analysis supports that this missense variant has a deleterious effect on protein structure/function

Labcorp Genetics (formerly Invitae), Labcorp
Classification: Uncertain significance for Dilated cardiomyopathy 1II. Last evaluated: 2018-06-28. Review status: criteria provided, single submitter. Criteria: Invitae Variant Classification Sherloc (09022015). Collection method: clinical testing. Allele origin: germline.
Comment: This variant has not been reported in the literature in individuals with CRYAB-related disease. In summary, the available evidence is currently insufficient to determine the role of this variant in disease. Therefore, it has been classified as a Variant of Uncertain Significance. Algorithms developed to predict the effect of sequence changes on RNA splicing suggest that this variant may create or strengthen a splice site, but this prediction has not been confirmed by published transcriptional studies. Algorithms developed to predict the effect of missense changes on protein structure and function are either unavailable or do not agree on the potential impact of this missense change (SIFT: "Deleterious"; PolyPhen-2: "Probably Damaging"; Align-GVGD: "Class C0"). This variant is not present in population databases (ExAC no frequency). This sequence change replaces proline with glutamine at codon 39 of the CRYAB protein (p.Pro39Gln). The proline residue is highly conserved and there is a moderate physicochemical difference between proline and glutamine.

NM_001289808.2(CRYAB):c.116C>A (p.Pro39Gln)

Gene: CRYAB (crystallin alpha B; minus strand). Cytogenetic location: 11q23.1.
Variant type: single nucleotide variant.
Coding change: c.116C>A on transcript NM_001289808.2 (MANE Select); coding-DNA position 116, C replaced by A.
Protein change: p.Pro39Gln; replaces proline 39 with glutamine.
Molecular consequence: missense variant.
Genome position (GRCh38, 1-based): chr11:111,911,609, G>T on the plus strand (C>A on the coding strand, the complement: CRYAB is on the minus strand). VCF-style: chr11-111911609-G-T. GRCh37 (hg19) VCF-style: chr11-111782333-G-T.
Other names: c.116C>A, p.Pro39Gln (NM_001289807.1, NM_001368245.1, NM_001885.3); c.116C>A (NM_001885.1); short protein forms P39Q.
Identifiers: ClinVar variation 566247 (VCV000566247.7), dbSNP rs149787233, ClinGen allele CA382600584.
Genomic context (GRCh38, chr11:111,911,609, plus strand): 5'-CTGGGTGCCCGCAGGAAGGAGGGTGGCCGAAGGTAGAAGGGACTCAGGGAAGTAGACGTC[G>T]GGAAAAGATCAGACTCCAACAGGTGCTCTCCGAAGAACTGGTCAAAGAGGCGGCTGGGGG-3'
Protein context (NP_001276737.1, residues 29-49): GEHLLESDLF[Pro39Gln]TSTSLSPFYL